The following is an entry in ClinVar:

NM_002465.4(MYBPC1):c.2983A>C (p.Thr995Pro)

Gene: MYBPC1 (myosin binding protein C1; plus strand). Cytogenetic location: 12q23.2.
Variant type: single nucleotide variant.
Coding change: c.2983A>C on transcript NM_002465.4 (MANE Select); coding-DNA position 2983, A replaced by C.
Protein change: p.Thr995Pro; replaces threonine 995 with proline.
Molecular consequence: missense variant.
Genome position (GRCh38, 1-based): chr12:101,677,268, A>C. VCF-style: chr12-101677268-A-C. GRCh37 (hg19) VCF-style: chr12-102071046-A-C.
Other names: c.2962A>C, p.Thr988Pro (NM_001254718.3, NM_206820.4); c.2908A>C, p.Thr970Pro (NM_001254719.3, NM_206821.4); c.2872A>C, p.Thr958Pro (NM_001254720.3); c.2851A>C, p.Thr951Pro (NM_001254721.3, NM_001404676.1, NM_001404678.1); c.2830A>C, p.Thr944Pro (NM_001254722.3, NM_001404680.1); c.2869A>C, p.Thr957Pro (NM_001254723.3); c.2983A>C, p.Thr995Pro (NM_001404675.1, NM_206819.4); c.2773A>C, p.Thr925Pro (NM_001404677.1, NM_001404679.1, NM_001404681.1); short protein forms T944P, T951P, T957P, T958P, T970P, T988P, T995P, T925P.
Identifiers: ClinVar variation 1691578 (VCV001691578.4), dbSNP rs2136798364, ClinGen allele CA386276633.

ClinVar aggregate classification (germline): Uncertain significance (1 of 4 stars; one submission).

Allele frequency attached by ClinVar (database versions not stated): gnomAD exomes below 0.00001.
gnomAD v4.1: 1 of 1,613,792 alleles (0.000062%); highest among the groups gnomAD compares: South Asian, 0.0011%; no homozygotes.

Submission:

GeneDx
Classification: Uncertain significance. Last evaluated: 2024-06-26. Review status: criteria provided, single submitter. Criteria: GeneDx Variant Classification Process June 2021. Collection method: clinical testing. Allele origin: germline. Affected: yes.
Comment: Not observed at significant frequency in large population cohorts (gnomAD); In silico analysis supports that this missense variant has a deleterious effect on protein structure/function; Has not been previously published as pathogenic or benign to our knowledge